The following is an entry in ClinVar:

NM_005559.4(LAMA1):c.8192C>T (p.Ser2731Leu)

Genes: LAMA1 (laminin subunit alpha 1; minus strand), LOC101927188 (uncharacterized LOC101927188; plus strand). Cytogenetic location: 18p11.31.
Variant type: single nucleotide variant.
Coding change: c.8192C>T on transcript NM_005559.4 (MANE Select); coding-DNA position 8192, C replaced by T.
Protein change: p.Ser2731Leu; replaces serine 2731 with leucine.
Molecular consequence: missense variant. On other transcripts: non-coding transcript variant (1).
Genome position (GRCh38, 1-based): chr18:6,955,368, G>A on the plus strand (C>T on the coding strand, the complement: LAMA1 is on the minus strand). VCF-style: chr18-6955368-G-A. GRCh37 (hg19) VCF-style: chr18-6955367-G-A.
Other names: short protein forms S2731L.
Identifiers: ClinVar variation 2086182 (VCV002086182.4), dbSNP rs773457070, ClinGen allele CA401840257.

ClinVar aggregate classification (germline): Uncertain significance. Review status: criteria provided, multiple submitters, no conflicts (2 of 4 stars). 2 submissions from 2 submitters: Uncertain significance (2). Last evaluated 2024-06-17.

Submissions (2):

Blueprint Genetics
Classification: Uncertain significance. Last evaluated: 2024-06-17. Review status: criteria provided, single submitter. Criteria: ACMG Guidelines, 2015. Collection method: clinical testing. Allele origin: germline.

Labcorp Genetics (formerly Invitae), Labcorp
Classification: Uncertain significance. Last evaluated: 2022-11-08. Review status: criteria provided, single submitter. Criteria: Invitae Variant Classification Sherloc (09022015). Collection method: clinical testing. Allele origin: germline.
Comment: This sequence change replaces serine, which is neutral and polar, with leucine, which is neutral and non-polar, at codon 2731 of the LAMA1 protein (p.Ser2731Leu). This variant is present in population databases (no rsID available, gnomAD 0.01%). This variant has not been reported in the literature in individuals affected with LAMA1-related conditions. Advanced modeling of protein sequence and biophysical properties (such as structural, functional, and spatial information, amino acid conservation, physicochemical variation, residue mobility, and thermodynamic stability) performed at Invitae indicates that this missense variant is not expected to disrupt LAMA1 protein function. In summary, the available evidence is currently insufficient to determine the role of this variant in disease. Therefore, it has been classified as a Variant of Uncertain Significance.